The following is an entry in ClinVar:

NM_213599.3(ANO5):c.1495G>C (p.Ala499Pro)

Gene: ANO5 (anoctamin 5; plus strand). Cytogenetic location: 11p14.3.
Variant type: single nucleotide variant.
Coding change: c.1495G>C on transcript NM_213599.3 (MANE Select); coding-DNA position 1495, G replaced by C.
Protein change: p.Ala499Pro; replaces alanine 499 with proline.
Molecular consequence: missense variant.
Genome position (GRCh38, 1-based): chr11:22,259,606, G>C. VCF-style: chr11-22259606-G-C. GRCh37 (hg19) VCF-style: chr11-22281152-G-C.
Other names: c.1492G>C, p.Ala498Pro (NM_001142649.2); c.1453G>C, p.Ala485Pro (NM_001410963.1); c.1450G>C, p.Ala484Pro (NM_001410964.1); short protein forms A484P, A485P, A498P, A499P.
Identifiers: ClinVar variation 3762170 (VCV003762170.2).

ClinVar aggregate classification (germline): Uncertain significance (1 of 4 stars; one submission).

Conditions:
Gnathodiaphyseal dysplasia (GDD). Also called: GNATHODIAPHYSEAL SCLEROSIS; OSTEOGENESIS IMPERFECTA WITH UNUSUAL SKELETAL LESIONS. Identifiers: Orphanet 53697, MedGen C1833736, MONDO:0008151, OMIM 166260.
Autosomal recessive limb-girdle muscular dystrophy type 2L (LGMDR12). Also called: Limb-girdle muscular dystrophy, type 2L; MUSCULAR DYSTROPHY, LIMB-GIRDLE, AUTOSOMAL RECESSIVE 12; Limb-Girdle Muscular Dystrophy R12 Anoctamin-5-Related (LGMD-R12). Identifiers: Orphanet 206549, MedGen C1969785, MONDO:0012652, OMIM 611307.

gnomAD v4.1: 3 of 1,614,044 alleles (0.00019%); highest among the groups gnomAD compares: Admixed American, 0.005%; no homozygotes.

Submission:

Labcorp Genetics (formerly Invitae), Labcorp
Classification: Uncertain significance for Autosomal recessive limb-girdle muscular dystrophy type 2L; Gnathodiaphyseal dysplasia. Last evaluated: 2024-10-10. Review status: criteria provided, single submitter. Criteria: Invitae Variant Classification Sherloc (09022015). Collection method: clinical testing. Allele origin: germline.
Comment: This sequence change replaces alanine, which is neutral and non-polar, with proline, which is neutral and non-polar, at codon 499 of the ANO5 protein (p.Ala499Pro). This variant is present in population databases (rs746548151, gnomAD 0.009%). This variant has not been reported in the literature in individuals affected with ANO5-related conditions. Invitae Evidence Modeling of protein sequence and biophysical properties (such as structural, functional, and spatial information, amino acid conservation, physicochemical variation, residue mobility, and thermodynamic stability) indicates that this missense variant is not expected to disrupt ANO5 protein function with a negative predictive value of 80%. In summary, the available evidence is currently insufficient to determine the role of this variant in disease. Therefore, it has been classified as a Variant of Uncertain Significance.